The following is an entry in ClinVar:

ClinVar aggregate classification (germline): Pathogenic (1 of 4 stars; one submission).

Conditions:
Hereditary cancer-predisposing syndrome. Also called: Neoplastic Syndromes, Hereditary; Tumor predisposition; Hereditary Cancer Syndrome; Hereditary neoplastic syndrome. Identifiers: Orphanet 140162, MedGen C0027672, MeSH D009386, MONDO:0015356.

Submission:

Ambry Genetics
Classification: Pathogenic for Hereditary cancer-predisposing syndrome. Last evaluated: 2020-04-08. Review status: criteria provided, single submitter. Criteria: Ambry Variant Classification Scheme 2023. Collection method: clinical testing. Allele origin: germline.
Comment: The c.1575-1G>C intronic pathogenic mutation results from a G to C substitution one nucleotide upstream from coding exon 15 of the NF2 gene. This alteration has been identified in an individual with a clinical diagnosis of neurofibromatosis type 2 (Ruttledge MH et al. Am. J. Hum. Genet., 1996 Aug;59:331-42). Of note, this alteration is also designated as "cag:AGT>cac:AGT" in published literature. In addition to the clinical data presented in the literature, alterations that disrupt the canonical splice site are expected to cause aberrant splicing, resulting in an abnormal protein or a transcript that is subject to nonsense-mediated mRNA decay. As such, this alteration is classified as a disease-causing mutation.

Literature cited by the submitters: PubMed 25525159; PubMed 27704245; PubMed 8698340; PubMed 8755919.

NM_000268.4(NF2):c.1575-1G>C

Gene: NF2 (NF2, moesin-ezrin-radixin like (MERLIN) tumor suppressor; plus strand). Cytogenetic location: 22q12.2.
Variant type: single nucleotide variant.
Coding change: c.1575-1G>C on transcript NM_000268.4 (MANE Select); the canonical splice acceptor site of the intron before coding-DNA position 1575, G replaced by C.
Molecular consequence: splice acceptor variant. On other transcripts: intron variant (3).
Genome position (GRCh38, 1-based): chr22:29,681,438, G>C. VCF-style: chr22-29681438-G-C. GRCh37 (hg19) VCF-style: chr22-30077427-G-C.
Other names: c.1575-1G>C (NM_016418.5, NM_181832.3, NM_001407066.1 and 1 more transcripts); c.1461-1G>C (NM_001407056.1, NM_001407053.1); c.1344-1G>C (NM_001407067.1); c.1041-1G>C (NM_001407065.1); c.1574+3115G>C (NM_001407060.1); c.1440-1G>C (NM_001407059.1, NM_001407057.1); c.448-13314G>C (NM_181833.3); c.1452-1G>C (NM_001407058.1, NM_181829.3, NM_001407054.1); and 4 more.
Identifiers: ClinVar variation 1775564 (VCV001775564.2), dbSNP rs2147122288, ClinGen allele CA411149983.